The following is an entry in ClinVar:

NM_000064.4(C3):c.2254G>A (p.Asp752Asn)

Gene: C3 (complement C3; minus strand). Cytogenetic location: 19p13.3.
Variant type: single nucleotide variant.
Coding change: c.2254G>A on transcript NM_000064.4 (MANE Select); coding-DNA position 2254, G replaced by A.
Protein change: p.Asp752Asn; replaces aspartic acid 752 with asparagine.
Molecular consequence: missense variant.
Genome position (GRCh38, 1-based): chr19:6,702,571, C>T on the plus strand (G>A on the coding strand, the complement: C3 is on the minus strand). VCF-style: chr19-6702571-C-T. GRCh37 (hg19) VCF-style: chr19-6702582-C-T.
Other names: short protein forms D752N.
Identifiers: ClinVar variation 4280153 (VCV004280153.1).

ClinVar aggregate classification (germline): Uncertain significance (1 of 4 stars; one submission).

Conditions:
Complement component 3 deficiency. Identifiers: Orphanet 280133, MedGen C3151071, MONDO:0013417, OMIM 613779.
C3 glomerulonephritis. Also called: Nephropathy due to CFHR5 Deficiency; C3 GLOMERULOPATHY 3. Identifiers: Orphanet 329931, MedGen C4055342, MONDO:0013892, OMIM 614809.
Atypical hemolytic-uremic syndrome. Identifiers: Orphanet 2134, MedGen C2931788, MONDO:0016244.

gnomAD v4.1: 2 of 1,610,016 alleles (0.00012%); highest among the groups gnomAD compares: Admixed American, 0.0017%; no homozygotes.

Submission:

Genomenon, Inc
Classification: Uncertain significance for Complement component 3 deficiency; C3 glomerulonephritis; Atypical hemolytic-uremic syndrome. Last evaluated: 2025-09-30. Review status: criteria provided, single submitter. Criteria: Genomenon Sequence Variant Interpretation Standards. Collection method: curation. Allele origin: germline. Affected: no.
Comment: C3 p.Asp752Asn (c.2254G>A) is a missense variant that changes the amino acid at residue 752 from Aspartic acid to Asparagine. This variant has been reported in the published literature (PMID:9988761). It is absent or not present at a significant frequency in gnomAD. In silico models agree that this variant is not damaging. In conclusion, we classify C3 p.Asp752Asn (c.2254G>A) as a variant of unknown significance.

Literature cited by the submitters: PubMed 9988761.